The following is an entry in ClinVar:

ClinVar aggregate classification (germline): Pathogenic. Review status: criteria provided, multiple submitters, no conflicts (2 of 4 stars). 8 submissions from 8 submitters: Pathogenic (6). 2 of the submissions do not count toward it. Last evaluated 2025-03-17.

Conditions:
TP63-related disorder. Also called: TP63-related condition; TP63-Related Disorders. Identifiers: MedGen CN380159.
TP63-Related Spectrum Disorders.
Ectrodactyly, ectodermal dysplasia, and cleft lip-palate syndrome 3. Also called: Ectrodactyly, Ectodermal Dysplasia, Cleft Lip/Palate Syndrome 3 (EEC3); Ectrodactyly, Ectodermal Dysplasia, Clefting Syndrome; EEC SYNDROME 3; Ectrodactyly, Ectodermal Dysplasia, Clefting Syndrome Type 3 (EEC3). Identifiers: Orphanet 1896, MedGen C1858562, MONDO:0011428, OMIM 604292.
Rapp-Hodgkin syndrome (RHS). Also called: Rapp-Hodgkin ectodermal dysplasia syndrome; ECTODERMAL DYSPLASIA, ANHIDROTIC, WITH CLEFT LIP/PALATE; Isolated Cleft Lip/Cleft Palate (Orofacial Cleft 8). Identifiers: MedGen C1785148, MONDO:0007508, OMIM 129400.

Submissions (8):

Variantyx, Inc.
Classification: Pathogenic for Rapp-Hodgkin syndrome. Last evaluated: 2025-03-17. Review status: criteria provided, single submitter. Criteria: Variantyx Assertion Criteria 2022. Collection method: clinical testing. Allele origin: de novo. Affected: yes.
Comment: This is a nonsynonymous variant in the TP63 gene (OMIM: 603273). Pathogenic variants in this gene have been associated with autosomal dominant TP63-related disorders. Multiple computational algorithms predict a deleterious effect for this variant (REVEL score: 0.918). Functional studies have shown that this variant alters TP63 protein function (PMID: 19353588, 23355676) (PS3). This variant is absent from control populations (PM2_Supporting). Based on the current evidence, this variant is classified as pathogenic for autosomal dominant TP63-related disorders. This variant is also known as Arg304Trp and Arg343Trp.

Blueprint Genetics
Classification: Pathogenic for TP63-related disorders. Last evaluated: 2024-09-30. Review status: criteria provided, single submitter. Criteria: ACMG Guidelines, 2015. Collection method: clinical testing. Allele origin: germline. Affected: yes. Observed: 3 variant alleles.

Labcorp Genetics (formerly Invitae), Labcorp
Classification: Pathogenic. Last evaluated: 2024-03-23. Review status: criteria provided, single submitter. Criteria: Invitae Variant Classification Sherloc (09022015). Collection method: clinical testing. Allele origin: germline.
Comment: This sequence change replaces arginine, which is basic and polar, with tryptophan, which is neutral and slightly polar, at codon 343 of the TP63 protein (p.Arg343Trp). This variant is not present in population databases (gnomAD no frequency). This missense change has been observed in individual(s) with ectrodactyly, ectodermal dysplasia, cleft lip and palate (EEC) syndrome (PMID: 10535733, 20180707, 24734328). In at least one individual the variant was observed to be de novo. This variant is also known as c.910C>T, p.Arg304Trp. ClinVar contains an entry for this variant (Variation ID: 279913). Advanced modeling performed at Invitae incorporating data from internal and/or published experimental studies (Invitae) indicates that this missense variant is expected to disrupt TP63 function with a positive predictive value of 95%. Experimental studies have shown that this missense change affects TP63 function (PMID: 19353588, 23355676). This variant disrupts the p.Arg343 amino acid residue in TP63. Other variant(s) that disrupt this residue have been determined to be pathogenic (PMID: 10839977, 12525544, 26882220). This suggests that this residue is clinically significant, and that variants that disrupt this residue are likely to be disease-causing. For these reasons, this variant has been classified as Pathogenic.

3billion
Classification: Pathogenic for Ectrodactyly, ectodermal dysplasia, and cleft lip-palate syndrome 3. Last evaluated: 2023-02-23. Review status: criteria provided, single submitter. Criteria: ACMG Guidelines, 2015. Collection method: clinical testing. Allele origin: unknown. Affected: yes.
Comment: The variant is not observed in the gnomAD v2.1.1 dataset. Missense changes are a common disease-causing mechanism. In silico tool predictions suggest damaging effect of the variant on gene or gene product (REVEL: 0.92; 3Cnet: 0.96). Same nucleotide change resulting in same amino acid change has been previously reported as pathogenic/likely pathogenic with strong evidence (ClinVar ID: VCV000279913). A different missense change at the same codon (p.Arg343Gln) has been reported as pathogenic/likely pathogenic with strong evidence (ClinVar ID: VCV000006534). Therefore, this variant is classified as Pathogenic according to the recommendation of ACMG/AMP guideline.

GeneDx
Classification: Pathogenic. Last evaluated: 2022-07-26. Review status: criteria provided, single submitter. Criteria: GeneDx Variant Classification Process June 2021. Collection method: clinical testing. Allele origin: germline. Affected: yes.
Comment: Published functional studies demonstrate this variant causes the TP63 protein to accumulate in the skin of EEC patients and extends the half-life of the protein. Additionally, the R343W variant protein shows reduced transcriptional activity as compared to wild-type protein (PMID: 21652629); In silico analysis, which includes protein predictors and evolutionary conservation, supports a deleterious effect; Not observed in large population cohorts (gnomAD); Also known as R304W; This variant is associated with the following publications: (PMID: 27135912, 11462173, 19353588, 20180707, 23355676, 10535733, 28400699, 29130604, 30566872, 24734328, 30025988, 30850703, 32224865, 17224651, 21652629)

Clinical Genetics Laboratory, Skane University Hospital Lund
Classification: Pathogenic. Last evaluated: 2022-07-13. Review status: criteria provided, single submitter. Criteria: ACMG Guidelines, 2015. Collection method: clinical testing. Allele origin: germline. Affected: yes.

Diagnostic Laboratory, Department of Genetics, University Medical Center Groningen
Classification: Pathogenic. Review status: no assertion criteria provided. Collection method: clinical testing. Allele origin: germline. Affected: yes. Study: VKGL Data-share Consensus. Not counted in ClinVar's aggregate classification.

Joint Genome Diagnostic Labs from Nijmegen and Maastricht, Radboudumc and MUMC+
Classification: Pathogenic. Review status: no assertion criteria provided. Collection method: clinical testing. Allele origin: germline. Affected: yes. Study: VKGL Data-share Consensus. Not counted in ClinVar's aggregate classification.

Literature cited by the submitters: PubMed 10535733 (cited by Labcorp Genetics (formerly Invitae), Labcorp); PubMed 20180707 (cited by Labcorp Genetics (formerly Invitae), Labcorp); PubMed 24734328 (cited by Labcorp Genetics (formerly Invitae), Labcorp); PubMed 19353588 (cited by Labcorp Genetics (formerly Invitae), Labcorp); PubMed 23355676 (cited by Labcorp Genetics (formerly Invitae), Labcorp); PubMed 10839977 (cited by Labcorp Genetics (formerly Invitae), Labcorp); PubMed 12525544 (cited by Labcorp Genetics (formerly Invitae), Labcorp); PubMed 26882220 (cited by Labcorp Genetics (formerly Invitae), Labcorp).

NM_003722.5(TP63):c.1027C>T (p.Arg343Trp)

Gene: TP63 (tumor protein p63; plus strand). Cytogenetic location: 3q28.
Variant type: single nucleotide variant.
Coding change: c.1027C>T on transcript NM_003722.5 (MANE Select); coding-DNA position 1027, C replaced by T.
Protein change: p.Arg343Trp; replaces arginine 343 with tryptophan.
Molecular consequence: missense variant.
Genome position (GRCh38, 1-based): chr3:189,868,614, C>T. VCF-style: chr3-189868614-C-T. GRCh37 (hg19) VCF-style: chr3-189586403-C-T.
Other names: c.1027C>T, p.Arg343Trp (NM_001114978.2, NM_001114979.2, NM_001329144.2 and 1 more transcripts); c.745C>T, p.Arg249Trp (NM_001114980.2, NM_001114981.2, NM_001114982.2 and 2 more transcripts); c.490C>T, p.Arg164Trp (NM_001329146.2, NM_001329150.2); c.1021C>T, p.Arg341Trp (NM_001329964.2); short protein forms R343W, R249W, R341W, R164W.
Identifiers: ClinVar variation 279913 (VCV000279913.16), dbSNP rs886041251, ClinGen allele CA10602901.